The following is an entry in ClinVar:

NM_000444.6(PHEX):c.2059_2060dup (p.Ser687fs)

Genes: PHEX (phosphate regulating endopeptidase X-linked; plus strand), PTCHD1-AS (PTCHD1 and PHEX antisense RNA; minus strand). Cytogenetic location: Xp22.11.
Variant type: Duplication.
Coding change: c.2059_2060dup on transcript NM_000444.6 (MANE Select); coding-DNA positions 2059 to 2060, 2 bases duplicated (AG; older notation c.2059_2060dupAG).
Protein change: p.Ser687fs; shifts the reading frame from serine 687.
Molecular consequence: frameshift variant. On other transcripts: non-coding transcript variant (1).
Genome position (GRCh38, 1-based): chrX:22,227,600-22,227,601, AG duplicated; duplicating any 2 consecutive bases within chrX:22,227,599-22,227,601 gives the same sequence; the c. name uses the placement nearest the transcript's 3' end. VCF-style (leftmost placement, unchanged base first): chrX-22227598-T-TGA. GRCh37 (hg19) VCF-style: chrX-22245715-T-TGA.
Other names: c.2059_2060dup, p.Ser687fs (NM_001282754.2); short protein forms S687fs.
Identifiers: ClinVar variation 2703385 (VCV002703385.3), dbSNP rs2518676978, ClinGen allele CA2697552910.

ClinVar aggregate classification (germline): Pathogenic (1 of 4 stars; one submission).

Submission:

Labcorp Genetics (formerly Invitae), Labcorp
Classification: Pathogenic. Last evaluated: 2023-12-15. Review status: criteria provided, single submitter. Criteria: Invitae Variant Classification Sherloc (09022015). Collection method: clinical testing. Allele origin: germline.
Comment: This sequence change creates a premature translational stop signal (p.Ser687Argfs*6) in the PHEX gene. It is expected to result in an absent or disrupted protein product. Loss-of-function variants in PHEX are known to be pathogenic (PMID: 9097956, 9106524, 19219621). This variant is not present in population databases (gnomAD no frequency). This variant has not been reported in the literature in individuals affected with PHEX-related conditions. For these reasons, this variant has been classified as Pathogenic.

Literature cited by the submitters: PubMed 9097956; PubMed 9106524; PubMed 19219621.